The following is an entry in ClinVar:

ClinVar aggregate classification (germline): Uncertain significance (1 of 4 stars; one submission).

Conditions:
Werner syndrome (WRN). Identifiers: Orphanet 902, MedGen C0043119, MONDO:0010196, OMIM 277700.

Allele frequency attached by ClinVar (database versions not stated): TOPMed 0.00001.
gnomAD v4.1: 1 of 1,614,078 alleles (0.000062%); highest among the groups gnomAD compares: Non-Finnish European, 0.000085%; no homozygotes.

Submission:

Labcorp Genetics (formerly Invitae), Labcorp
Classification: Uncertain significance for Werner syndrome. Last evaluated: 2022-10-08. Review status: criteria provided, single submitter. Criteria: Invitae Variant Classification Sherloc (09022015). Collection method: clinical testing. Allele origin: germline.
Comment: In summary, the available evidence is currently insufficient to determine the role of this variant in disease. Therefore, it has been classified as a Variant of Uncertain Significance. Algorithms developed to predict the effect of missense changes on protein structure and function are either unavailable or do not agree on the potential impact of this missense change (SIFT: "Not Available"; PolyPhen-2: "Benign"; Align-GVGD: "Not Available"). ClinVar contains an entry for this variant (Variation ID: 862520). This variant has not been reported in the literature in individuals affected with WRN-related conditions. This variant is present in population databases (no rsID available, gnomAD 0.007%). This sequence change replaces threonine, which is neutral and polar, with isoleucine, which is neutral and non-polar, at codon 1286 of the WRN protein (p.Thr1286Ile).

NM_000553.6(WRN):c.3857C>T (p.Thr1286Ile)

Gene: WRN (WRN RecQ like helicase; plus strand). Cytogenetic location: 8p12.
Variant type: single nucleotide variant.
Coding change: c.3857C>T on transcript NM_000553.6 (MANE Select); coding-DNA position 3857, C replaced by T.
Protein change: p.Thr1286Ile; replaces threonine 1286 with isoleucine.
Molecular consequence: missense variant.
Genome position (GRCh38, 1-based): chr8:31,157,405, C>T. VCF-style: chr8-31157405-C-T. GRCh37 (hg19) VCF-style: chr8-31014921-C-T.
Other names: short protein forms T1286I.
Identifiers: ClinVar variation 862520 (VCV000862520.6), dbSNP rs1248248259, ClinGen allele CA370929353.